The following is an entry in ClinVar:

ClinVar aggregate classification (germline): Uncertain significance. Review status: criteria provided, multiple submitters, no conflicts (2 of 4 stars). 3 submissions from 3 submitters: Uncertain significance (3). Last evaluated 2026-07-06.

Conditions:
Hereditary cancer-predisposing syndrome. Also called: Hereditary neoplastic syndrome; Neoplastic Syndromes, Hereditary; Tumor predisposition; Hereditary Cancer Syndrome. Identifiers: Orphanet 140162, MedGen C0027672, MeSH D009386, MONDO:0015356.
Hereditary pheochromocytoma and paraganglioma. Also called: Hereditary Paraganglioma-Pheochromocytoma Syndromes; Hereditary paragangliomas and pheochromocytomas; Hereditary pheochromocytoma-paraganglioma. Identifiers: Orphanet 29072, MedGen C4274332, MONDO:0017366.

Submissions (3):

Ambry Genetics
Classification: Uncertain significance for Hereditary cancer-predisposing syndrome. Last evaluated: 2026-07-06. Review status: criteria provided, single submitter. Criteria: Ambry Variant Classification Scheme 2023. Collection method: clinical testing. Allele origin: germline.
Comment: The p.L104F variant (also known as c.310C>T), located in coding exon 3 of the SDHAF2 gene, results from a C to T substitution at nucleotide position 310. The leucine at codon 104 is replaced by phenylalanine, an amino acid with highly similar properties. This amino acid position is conserved. In addition, the in silico prediction for this alteration is inconclusive. Based on the available evidence, the clinical significance of this variant remains unclear.

Labcorp Genetics (formerly Invitae), Labcorp
Classification: Uncertain significance for Hereditary pheochromocytoma and paraganglioma. Last evaluated: 2025-08-04. Review status: criteria provided, single submitter. Criteria: Invitae Variant Classification Sherloc (09022015). Collection method: clinical testing. Allele origin: germline.
Comment: This sequence change replaces leucine, which is neutral and non-polar, with phenylalanine, which is neutral and non-polar, at codon 104 of the SDHAF2 protein (p.Leu104Phe). This variant is not present in population databases (gnomAD no frequency). This variant has not been reported in the literature in individuals affected with SDHAF2-related conditions. ClinVar contains an entry for this variant (Variation ID: 1984463). An algorithm developed to predict the effect of missense changes on protein structure and function (PolyPhen-2) suggests that this variant is likely to be disruptive. In summary, the available evidence is currently insufficient to determine the role of this variant in disease. Therefore, it has been classified as a Variant of Uncertain Significance.

GeneDx
Classification: Uncertain significance. Last evaluated: 2023-05-24. Review status: criteria provided, single submitter. Criteria: GeneDx Variant Classification Process June 2021. Collection method: clinical testing. Allele origin: germline. Affected: yes.
Comment: Not observed at significant frequency in large population cohorts (gnomAD); In silico analysis supports that this missense variant has a deleterious effect on protein structure/function; Has not been previously published as pathogenic or benign to our knowledge

NM_017841.4(SDHAF2):c.310C>T (p.Leu104Phe)

Gene: SDHAF2 (succinate dehydrogenase complex assembly factor 2; plus strand). Cytogenetic location: 11q12.2.
Variant type: single nucleotide variant.
Coding change: c.310C>T on transcript NM_017841.4 (MANE Select); coding-DNA position 310, C replaced by T.
Protein change: p.Leu104Phe; replaces leucine 104 with phenylalanine.
Molecular consequence: missense variant.
Genome position (GRCh38, 1-based): chr11:61,438,053, C>T. VCF-style: chr11-61438053-C-T. GRCh37 (hg19) VCF-style: chr11-61205525-C-T.
Other names: short protein forms L104F.
Identifiers: ClinVar variation 1984463 (VCV001984463.6), dbSNP rs1565128676, ClinGen allele CA380684123.
Genomic context (GRCh38, chr11:61,438,053, plus strand): 5'-CTTGTTTTTAGTCTTTTTGCTAAAGAACATCTGCAGCACATGACAGAAAAGCAGCTGAAC[C>T]TCTATGACCGCCTGATTAACGAGCCTAGTAATGACTGGGATATTTACTACTGGGCCACAG-3'
Protein context (NP_060311.1, residues 94-114): LQHMTEKQLN[Leu104Phe]YDRLINEPSN